The following is an entry in ClinVar:

ClinVar aggregate classification (germline): Uncertain significance (1 of 4 stars; one submission).

Submission:

Labcorp Genetics (formerly Invitae), Labcorp
Classification: Uncertain significance. Last evaluated: 2024-03-03. Review status: criteria provided, single submitter. Criteria: Invitae Variant Classification Sherloc (09022015). Collection method: clinical testing. Allele origin: germline.
Comment: This sequence change replaces valine, which is neutral and non-polar, with alanine, which is neutral and non-polar, at codon 263 of the PAFAH1B1 protein (p.Val263Ala). This variant is not present in population databases (gnomAD no frequency). This variant has not been reported in the literature in individuals affected with PAFAH1B1-related conditions. An algorithm developed to predict the effect of missense changes on protein structure and function (PolyPhen-2) suggests that this variant is likely to be tolerated. In summary, the available evidence is currently insufficient to determine the role of this variant in disease. Therefore, it has been classified as a Variant of Uncertain Significance.

NM_000430.4(PAFAH1B1):c.788T>C (p.Val263Ala)

Gene: PAFAH1B1 (platelet activating factor acetylhydrolase 1b regulatory subunit 1; plus strand). Cytogenetic location: 17p13.3.
Variant type: single nucleotide variant.
Coding change: c.788T>C on transcript NM_000430.4 (MANE Select); coding-DNA position 788, T replaced by C.
Protein change: p.Val263Ala; replaces valine 263 with alanine.
Molecular consequence: missense variant.
Genome position (GRCh38, 1-based): chr17:2,674,176, T>C. VCF-style: chr17-2674176-T-C. GRCh37 (hg19) VCF-style: chr17-2577470-T-C.
Other names: short protein forms V263A.
Identifiers: ClinVar variation 3644272 (VCV003644272.2).